The following is an entry in ClinVar:

NM_001171.6(ABCC6):c.4081G>A (p.Asp1361Asn)

Gene: ABCC6 (ATP binding cassette subfamily C member 6; minus strand). Cytogenetic location: 16p13.11.
Variant type: single nucleotide variant.
Coding change: c.4081G>A on transcript NM_001171.6 (MANE Select); coding-DNA position 4081, G replaced by A.
Protein change: p.Asp1361Asn; replaces aspartic acid 1361 with asparagine.
Molecular consequence: missense variant. On other transcripts: non-coding transcript variant (1).
Genome position (GRCh38, 1-based): chr16:16,154,755, C>T on the plus strand (G>A on the coding strand, the complement: ABCC6 is on the minus strand). VCF-style: chr16-16154755-C-T. GRCh37 (hg19) VCF-style: chr16-16248612-C-T.
Other names: c.3739G>A, p.Asp1247Asn (NM_001351800.1); short protein forms D1361N, D1247N.
Identifiers: ClinVar variation 419738 (VCV000419738.14), dbSNP rs58695352, ClinGen allele CA7925316.

ClinVar aggregate classification (germline): Conflicting classifications of pathogenicity. Review status: criteria provided, conflicting classifications (1 of 4 stars). 5 submissions from 5 submitters: Likely pathogenic (4); Uncertain significance (1). Last evaluated 2025-03-26.

Conditions:
ABCC6-related disorder. Also called: ABCC6-related condition.
Autosomal recessive inherited pseudoxanthoma elasticum (PXE). Identifiers: Orphanet 758, MedGen CN032334, MONDO:0009925, OMIM 264800.
Arterial calcification, generalized, of infancy, 2. Identifiers: Orphanet 51608, MedGen C3276161, MONDO:0013768, OMIM 614473.

Allele frequency attached by ClinVar (database versions not stated): ExAC 0.00001; gnomAD 0.00001; TOPMed 0.00002.
gnomAD v4.1: 50 of 1,612,644 alleles (0.0031%); highest among the groups gnomAD compares: South Asian, 0.0066%; no homozygotes.

Submissions (5):

First Genomix Gene Laboratory, Genetic Diagnostics Department
Classification: Likely pathogenic for Arterial calcification, generalized, of infancy, 2; Autosomal recessive inherited pseudoxanthoma elasticum. Last evaluated: 2025-03-26. Review status: criteria provided, single submitter. Criteria: ACMG Guidelines, 2015. Collection method: clinical testing. Allele origin: germline. Inheritance: Autosomal recessive inheritance. Affected: no. Observed: 1 variant allele.

Labcorp Genetics (formerly Invitae), Labcorp
Classification: Likely pathogenic. Last evaluated: 2024-12-07. Review status: criteria provided, single submitter. Criteria: Invitae Variant Classification Sherloc (09022015). Collection method: clinical testing. Allele origin: germline.
Comment: This sequence change replaces aspartic acid, which is acidic and polar, with asparagine, which is neutral and polar, at codon 1361 of the ABCC6 protein (p.Asp1361Asn). This variant is present in population databases (rs58695352, gnomAD 0.007%). This missense change has been observed in individuals with pseudoxanthoma elasticum (PMID: 11536079, 32873932, 34906475). ClinVar contains an entry for this variant (Variation ID: 419738). Invitae Evidence Modeling of protein sequence and biophysical properties (such as structural, functional, and spatial information, amino acid conservation, physicochemical variation, residue mobility, and thermodynamic stability) indicates that this missense variant is expected to disrupt ABCC6 protein function with a positive predictive value of 95%. In summary, the currently available evidence indicates that the variant is pathogenic, but additional data are needed to prove that conclusively. Therefore, this variant has been classified as Likely Pathogenic.

Blueprint Genetics
Classification: Likely pathogenic for ABCC6-related disorders. Last evaluated: 2022-08-30. Review status: criteria provided, single submitter. Criteria: ACMG Guidelines, 2015. Collection method: clinical testing. Allele origin: germline. Affected: yes. Observed: 5 variant alleles.

PXE International
Classification: Uncertain significance for Autosomal recessive inherited pseudoxanthoma elasticum. Last evaluated: 2021-03-12. Review status: criteria provided, single submitter. Criteria: Submitter's publication. Collection method: research. Allele origin: germline. Inheritance: Autosomal recessive inheritance. Affected: yes.

GeneDx
Classification: Likely pathogenic. Last evaluated: 2018-08-28. Review status: criteria provided, single submitter. Criteria: GeneDx Variant Classification (06012015). Collection method: clinical testing. Allele origin: germline. Affected: yes.
Comment: The D1361N variant has been published previously in association with pseudoxanthoma elasticum (Le Saux et al., 2001). The variant is observed in 2/30276 (0.0066%) alleles from individuals of South Asian background in large population cohorts (Lek et al., 2016). D1361N is a semi-conservative amino acid substitution, which may impact secondary protein structure as these residues differ in some properties. The D1361 residue has been shown to align with the nucleotide binding domain/transmembrane domain interface (Kelly et al., 2007). In-silico analyses, including protein predictors and evolutionary conservation, support a deleterious effect. In summary, this variant is likely pathogenic; however, the possibility that it is benign cannot be excluded.

Literature cited by the submitters: PubMed 11536079 (cited by Labcorp Genetics (formerly Invitae), Labcorp); PubMed 32873932 (cited by Labcorp Genetics (formerly Invitae), Labcorp and PXE International); PubMed 34906475 (cited by Labcorp Genetics (formerly Invitae), Labcorp).